The following is an entry in ClinVar:

ClinVar aggregate classification (germline): Uncertain significance (1 of 4 stars; one submission).

Conditions:
Hereditary pulmonary alveolar proteinosis. Also called: Pulmonary surfactant metabolism dysfunction. Identifiers: Orphanet 264675, MedGen C3711368, MONDO:0012580.

gnomAD v4.1: 33 of 1,552,966 alleles (0.0021%); highest among the groups gnomAD compares: Admixed American, 0.037%; no homozygotes.

Submission:

Ambry Genetics
Classification: Uncertain significance for Hereditary pulmonary alveolar proteinosis. Last evaluated: 2026-05-23. Review status: criteria provided, single submitter. Criteria: Ambry Variant Classification Scheme 2023. Collection method: clinical testing. Allele origin: germline.
Comment: The p.D1099N variant (also known as c.3295G>A), located in coding exon 20 of the ABCA3 gene, results from a G to A substitution at nucleotide position 3295. The aspartic acid at codon 1099 is replaced by asparagine, an amino acid with highly similar properties. This amino acid position is conserved. In addition, this alteration is predicted to be tolerated by in silico analysis. Based on the available evidence, the clinical significance of this variant remains unclear.

NM_001089.3(ABCA3):c.3295G>A (p.Asp1099Asn)

Gene: ABCA3 (ATP binding cassette subfamily A member 3; minus strand). Cytogenetic location: 16p13.3.
Variant type: single nucleotide variant.
Coding change: c.3295G>A on transcript NM_001089.3 (MANE Select); coding-DNA position 3295, G replaced by A.
Protein change: p.Asp1099Asn; replaces aspartic acid 1099 with asparagine.
Molecular consequence: missense variant.
Genome position (GRCh38, 1-based): chr16:2,285,630, C>T on the plus strand (G>A on the coding strand, the complement: ABCA3 is on the minus strand). VCF-style: chr16-2285630-C-T. GRCh37 (hg19) VCF-style: chr16-2335631-C-T.
Other names: short protein forms D1099N.
Identifiers: ClinVar variation 3850409 (VCV003850409.2).